The following is an entry in ClinVar:

NM_004082.5(DCTN1):c.378A>G (p.Ala126=)

Gene: DCTN1 (dynactin subunit 1; minus strand). Cytogenetic location: 2p13.1.
Variant type: single nucleotide variant.
Coding change: c.378A>G on transcript NM_004082.5 (MANE Select); coding-DNA position 378, A replaced by G.
Protein change: p.Ala126=; no amino-acid change (alanine 126 retained).
Molecular consequence: synonymous variant. On other transcripts: non-coding transcript variant (1).
Genome position (GRCh38, 1-based): chr2:74,377,447, T>C on the plus strand (A>G on the coding strand, the complement: DCTN1 is on the minus strand). VCF-style: chr2-74377447-T-C. GRCh37 (hg19) VCF-style: chr2-74604574-T-C.
Other names: p.Ala126=; c.378A>G, p.Ala126= (NM_001135040.3, NM_001190837.2); c.327A>G, p.Ala109= (NM_001190836.2, NM_001378991.1, NM_001378992.1).
Identifiers: ClinVar variation 1985715 (VCV001985715.5), dbSNP rs550520604, ClinGen allele CA1722517.
Genomic context (GRCh38, chr2:74,377,447, plus strand): 5'-TCCCCTCCCTTTATTATTCCCCATTCCCACCCCCAAATCACTCACCAGTTTGCTAGTCTT[T>C]GCAGTTGTATCAGTTCCCTCTGTAGAAAGCAAACAGAAACAAAGTGTGTACTTGTATAGA-3'
Protein context (NP_004073.2, residues 116-136): VLKREGTDTT[Ala126=]KTSKLRGLKP

ClinVar aggregate classification (germline): Likely benign. Review status: criteria provided, multiple submitters, no conflicts (2 of 4 stars). 2 submissions from 2 submitters: Likely benign (2). Last evaluated 2025-08-27.

Conditions:
Neuronopathy, distal hereditary motor, type 7B. Also called: HMN VIIB; LOWER MOTOR NEURON DISEASE, DYNACTIN TYPE; Distal Hereditary Motor Neuronopathy Type 7B (dHMN7B); NEURONOPATHY, DISTAL HEREDITARY MOTOR, AUTOSOMAL DOMINANT 14; NEURONOPATHY, DISTAL HEREDITARY MOTOR, HARDING TYPE VIIB; NEUROPATHY, DISTAL HEREDITARY MOTOR, HARDING TYPE VIIB. Identifiers: Orphanet 139589, MedGen C1843315, MONDO:0011879, OMIM 607641.
Perry syndrome. Also called: PARKINSONISM WITH ALVEOLAR HYPOVENTILATION AND MENTAL DEPRESSION. Identifiers: Orphanet 178509, MedGen C1868594, MONDO:0008201, OMIM 168605.
Amyotrophic lateral sclerosis type 1 (ALS1). Also called: AMYOTROPHIC LATERAL SCLEROSIS 1, FAMILIAL. Identifiers: Orphanet 803, MedGen C1862939, MONDO:0007103, OMIM 105400.

Allele frequency attached by ClinVar (database versions not stated): ExAC 0.00002; 1000 Genomes Project 0.00020; 1000 Genomes Project 30x 0.00031.
gnomAD v4.1: 17 of 1,613,758 alleles (0.0011%); highest among the groups gnomAD compares: African/African-American, 0.019%; no homozygotes.

Submissions (2):

Mayo Clinic Laboratories, Mayo Clinic
Classification: Likely benign. Last evaluated: 2025-08-27. Review status: criteria provided, single submitter. Criteria: ACMG Guidelines, 2015. Collection method: clinical testing. Allele origin: germline. Observed: 1 variant allele.
Comment: BP4, BP7

Labcorp Genetics (formerly Invitae), Labcorp
Classification: Likely benign for Amyotrophic lateral sclerosis type 1; Neuronopathy, distal hereditary motor, type 7B; Perry syndrome. Last evaluated: 2025-06-12. Review status: criteria provided, single submitter. Criteria: Invitae Variant Classification Sherloc (09022015). Collection method: clinical testing. Allele origin: germline.